The following is an entry in ClinVar:

ClinVar aggregate classification (germline): Uncertain significance (1 of 4 stars; one submission).

Conditions:
Werner syndrome (WRN). Identifiers: Orphanet 902, MedGen C0043119, MONDO:0010196, OMIM 277700.

Allele frequency attached by ClinVar (database versions not stated): gnomAD exomes below 0.00001.
gnomAD v4.1: 1 of 1,614,116 alleles (0.000062%); highest among the groups gnomAD compares: East Asian, 0.0022%; no homozygotes.

Submission:

Labcorp Genetics (formerly Invitae), Labcorp
Classification: Uncertain significance for Werner syndrome. Last evaluated: 2023-06-28. Review status: criteria provided, single submitter. Criteria: Invitae Variant Classification Sherloc (09022015). Collection method: clinical testing. Allele origin: germline.
Comment: This sequence change replaces glutamine, which is neutral and polar, with arginine, which is basic and polar, at codon 1165 of the WRN protein (p.Gln1165Arg). This variant is present in population databases (no rsID available, gnomAD 0.006%). This variant has not been reported in the literature in individuals affected with WRN-related conditions. ClinVar contains an entry for this variant (Variation ID: 458458). An algorithm developed to predict the effect of missense changes on protein structure and function (PolyPhen-2) suggests that this variant is likely to be disruptive. In summary, the available evidence is currently insufficient to determine the role of this variant in disease. Therefore, it has been classified as a Variant of Uncertain Significance.

NM_000553.6(WRN):c.3494A>G (p.Gln1165Arg)

Gene: WRN (WRN RecQ like helicase; plus strand). Cytogenetic location: 8p12.
Variant type: single nucleotide variant.
Coding change: c.3494A>G on transcript NM_000553.6 (MANE Select); coding-DNA position 3494, A replaced by G.
Protein change: p.Gln1165Arg; replaces glutamine 1165 with arginine.
Molecular consequence: missense variant.
Genome position (GRCh38, 1-based): chr8:31,147,398, A>G. VCF-style: chr8-31147398-A-G. GRCh37 (hg19) VCF-style: chr8-31004914-A-G.
Other names: short protein forms Q1165R.
Identifiers: ClinVar variation 458458 (VCV000458458.3), dbSNP rs1308927977, ClinGen allele CA370925749.